The following is an entry in ClinVar:

ClinVar aggregate classification (germline): Pathogenic (1 of 4 stars; one submission).

Conditions:
FBN1-related disorder. Also called: FBN1-related disorders.

Submission:

PreventionGenetics, part of Exact Sciences
Classification: Pathogenic for FBN1-related condition. Last evaluated: 2025-07-09. Review status: criteria provided, single submitter. Criteria: ACMG Guidelines, 2015. Collection method: clinical testing. Allele origin: germline.
Comment: The FBN1 c.1728C>A variant is predicted to result in premature protein termination (p.Cys576*). To our knowledge, this variant has not been reported in the literature or in a large population database (gnomAD), indicating this variant is rare. Nonsense variants in FBN1 are expected to be pathogenic. This variant is interpreted as pathogenic.

NM_000138.5(FBN1):c.1728C>A (p.Cys576Ter)

Gene: FBN1 (fibrillin 1; minus strand). Cytogenetic location: 15q21.1.
Variant type: single nucleotide variant.
Coding change: c.1728C>A on transcript NM_000138.5 (MANE Select); coding-DNA position 1728, C replaced by A.
Protein change: p.Cys576Ter; replaces cysteine 576 with a stop codon.
Molecular consequence: nonsense.
Genome position (GRCh38, 1-based): chr15:48,508,691, G>T on the plus strand (C>A on the coding strand, the complement: FBN1 is on the minus strand). VCF-style: chr15-48508691-G-T. GRCh37 (hg19) VCF-style: chr15-48800888-G-T.
Other names: c.1728C>A, p.Cys576Ter (NM_001406716.1); short protein forms C576*.
Identifiers: ClinVar variation 5000557 (VCV005000557.1).